The following is an entry in ClinVar:

NM_001271.4(CHD2):c.663G>C (p.Gln221His)

Gene: CHD2 (chromodomain helicase DNA binding protein 2; plus strand). Cytogenetic location: 15q26.1.
Variant type: single nucleotide variant.
Coding change: c.663G>C on transcript NM_001271.4 (MANE Select); coding-DNA position 663, G replaced by C.
Protein change: p.Gln221His; replaces glutamine 221 with histidine.
Molecular consequence: missense variant.
Genome position (GRCh38, 1-based): chr15:92,939,689, G>C. VCF-style: chr15-92939689-G-C. GRCh37 (hg19) VCF-style: chr15-93482919-G-C.
Other names: c.663G>C, p.Gln221His (NM_001042572.3); short protein forms Q221H.
Identifiers: ClinVar variation 1398454 (VCV001398454.10), dbSNP rs776917899, ClinGen allele CA7747589.
Genomic context (GRCh38, chr15:92,939,689, plus strand): 5'-GAGAAAAAAGCAAGATTCTTCTGATGAGGATGATGATGATGACGAAGCTCCCAAAAGGCA[G>C]ACTCGTCGAAGAGCGGCTAAAAACGTTAGGTAAGTTGTACCCCAGAAGTGTTTCACTGGT-3'
Protein context (NP_001262.3, residues 211-231): DDDDDEAPKR[Gln221His]TRRRAAKNVS

ClinVar aggregate classification (germline): Uncertain significance. Review status: criteria provided, multiple submitters, no conflicts (2 of 4 stars). 2 submissions from 2 submitters: Uncertain significance (2). Last evaluated 2023-01-16.

Conditions:
Inborn genetic diseases. Identifiers: MedGen C0950123, MeSH D030342.
Developmental and epileptic encephalopathy 94 (DEE94). Also called: Epileptic encephalopathy, childhood-onset; CHD2-Related Neurodevelopmental Disorders. Identifiers: Orphanet 1942, Orphanet 2382, MedGen C3809278, MONDO:0014150, OMIM 615369.

Allele frequency attached by ClinVar (database versions not stated): gnomAD exomes below 0.00001 and 0.00001; ExAC 0.00001; gnomAD 0.00001.
gnomAD v4.1: 6 of 1,613,940 alleles (0.00037%); highest among the groups gnomAD compares: Non-Finnish European, 0.00051%; no homozygotes.

Submissions (2):

Labcorp Genetics (formerly Invitae), Labcorp
Classification: Uncertain significance for Developmental and epileptic encephalopathy 94. Last evaluated: 2023-01-16. Review status: criteria provided, single submitter. Criteria: Invitae Variant Classification Sherloc (09022015). Collection method: clinical testing. Allele origin: germline.
Comment: This variant has not been reported in the literature in individuals affected with CHD2-related conditions. This sequence change replaces glutamine, which is neutral and polar, with histidine, which is basic and polar, at codon 221 of the CHD2 protein (p.Gln221His). This variant is present in population databases (rs776917899, gnomAD 0.0009%). ClinVar contains an entry for this variant (Variation ID: 1398454). Advanced modeling of protein sequence and biophysical properties (such as structural, functional, and spatial information, amino acid conservation, physicochemical variation, residue mobility, and thermodynamic stability) performed at Invitae indicates that this missense variant is not expected to disrupt CHD2 protein function. In summary, the available evidence is currently insufficient to determine the role of this variant in disease. Therefore, it has been classified as a Variant of Uncertain Significance.

Ambry Genetics
Classification: Uncertain significance for Inborn genetic diseases. Last evaluated: 2020-06-23. Review status: criteria provided, single submitter. Criteria: Ambry Variant Classification Scheme 2023. Collection method: clinical testing. Allele origin: germline.
Comment: The p.Q221H variant (also known as c.663G>C), located in coding exon 6 of the CHD2 gene, results from a G to C substitution at nucleotide position 663. The glutamine at codon 221 is replaced by histidine, an amino acid with highly similar properties. This amino acid position is well conserved in available vertebrate species. In addition, the in silico prediction for this alteration is inconclusive. Since supporting evidence is limited at this time, the clinical significance of this alteration remains unclear.